The following is an entry in ClinVar:

ClinVar aggregate classification (germline): Benign (1 of 4 stars; one submission).

Conditions:
Familial cold autoinflammatory syndrome 2 (FCAS2). Identifiers: Orphanet 247868, MedGen C2673198, MONDO:0012724, OMIM 611762.

Allele frequency attached by ClinVar (database versions not stated): gnomAD 0.00011 and 0.00063; TOPMed 0.00021; 1000 Genomes Project 0.00319; 1000 Genomes Project 30x 0.00328.
gnomAD v4.1: 1,006 of 672,432 alleles (0.15%); highest among the groups gnomAD compares: South Asian, 1.4%; 18 homozygotes.

Submission:

Illumina Laboratory Services, Illumina
Classification: Benign for Familial cold autoinflammatory syndrome 2. Last evaluated: 2018-01-12. Review status: criteria provided, single submitter. Criteria: ICSL Variant Classification Criteria 13 December 2019. Collection method: clinical testing. Allele origin: germline.
Comment: This variant was observed in the ICSL laboratory as part of a predisposition screen in an ostensibly healthy population. It had not been previously curated by ICSL or reported in the Human Gene Mutation Database (HGMD: prior to June 1st, 2018), and was therefore a candidate for classification through an automated scoring system. Utilizing variant allele frequency, disease prevalence and penetrance estimates, and inheritance mode, an automated score was calculated to assess if this variant is too frequent to cause the disease. Based on the score and internal cut-off values, a variant classified as benign is not then subjected to further curation. The score for this variant resulted in a classification of benign for this disease.

NM_144687.4(NLRP12):c.*194C>T

Gene: NLRP12 (NLR family pyrin domain containing 12; minus strand). Cytogenetic location: 19q13.42.
Variant type: single nucleotide variant.
Coding change: c.*194C>T on transcript NM_144687.4 (MANE Select); 194 bases downstream of the stop codon, C replaced by T.
Molecular consequence: 3 prime UTR variant.
Genome position (GRCh38, 1-based): chr19:53,793,855, G>A on the plus strand (C>T on the coding strand, the complement: NLRP12 is on the minus strand). VCF-style: chr19-53793855-G-A. GRCh37 (hg19) VCF-style: chr19-54297109-G-A.
Other names: c.*194C>T (NM_001277126.2, NM_001277129.1).
Identifiers: ClinVar variation 894483 (VCV000894483.4), dbSNP rs557195352, ClinGen allele CA310109359.